The following is an entry in ClinVar:

ClinVar aggregate classification (germline): Uncertain significance. Review status: criteria provided, multiple submitters, no conflicts (2 of 4 stars). 3 submissions from 3 submitters: Uncertain significance (3). Last evaluated 2026-01-09.

Conditions:
BBS2-related disorder. Also called: BBS2-related disorders; BBS2-related condition. Identifiers: MedGen CN239228.
Bardet-Biedl syndrome (BBS). Identifiers: Orphanet 110, MedGen C0752166, MONDO:0015229.

Allele frequency attached by ClinVar (database versions not stated): gnomAD 0.00001; gnomAD exomes 0.00001; TOPMed 0.00002; ExAC 0.00005; ESP Exome Variant Server 0.00008.
gnomAD v4.1: 15 of 1,613,952 alleles (0.00093%); highest among the groups gnomAD compares: Admixed American, 0.005%; no homozygotes.

Submissions (3):

PreventionGenetics, part of Exact Sciences
Classification: Uncertain significance for BBS2-related condition. Last evaluated: 2026-01-09. Review status: criteria provided, single submitter. Criteria: ACMG Guidelines, 2015. Collection method: clinical testing. Allele origin: germline.
Comment: The BBS2 c.668A>G variant is predicted to result in the amino acid substitution p.Asn223Ser. To our knowledge, this variant has not been reported in the literature. This variant is reported in 0.0065% of alleles in individuals of South Asian descent in gnomAD. At this time, the clinical significance of this variant is uncertain due to the absence of conclusive functional and genetic evidence.

Blueprint Genetics
Classification: Uncertain significance. Last evaluated: 2024-02-26. Review status: criteria provided, single submitter. Criteria: ACMG Guidelines, 2015. Collection method: clinical testing. Allele origin: germline.

Labcorp Genetics (formerly Invitae), Labcorp
Classification: Uncertain significance for Bardet-Biedl syndrome. Last evaluated: 2022-03-13. Review status: criteria provided, single submitter. Criteria: Invitae Variant Classification Sherloc (09022015). Collection method: clinical testing. Allele origin: germline.
Comment: This sequence change replaces asparagine, which is neutral and polar, with serine, which is neutral and polar, at codon 223 of the BBS2 protein (p.Asn223Ser). This variant is present in population databases (rs146173201, gnomAD 0.006%). This variant has not been reported in the literature in individuals affected with BBS2-related conditions. Algorithms developed to predict the effect of missense changes on protein structure and function (SIFT, PolyPhen-2, Align-GVGD) all suggest that this variant is likely to be disruptive. Algorithms developed to predict the effect of sequence changes on RNA splicing suggest that this variant may create or strengthen a splice site. In summary, the available evidence is currently insufficient to determine the role of this variant in disease. Therefore, it has been classified as a Variant of Uncertain Significance.

NM_031885.5(BBS2):c.668A>G (p.Asn223Ser)

Gene: BBS2 (Bardet-Biedl syndrome 2; minus strand). Cytogenetic location: 16q13.
Variant type: single nucleotide variant.
Coding change: c.668A>G on transcript NM_031885.5 (MANE Select); coding-DNA position 668, A replaced by G.
Protein change: p.Asn223Ser; replaces asparagine 223 with serine.
Molecular consequence: missense variant. On other transcripts: non-coding transcript variant (5).
Genome position (GRCh38, 1-based): chr16:56,506,169, T>C on the plus strand (A>G on the coding strand, the complement: BBS2 is on the minus strand). VCF-style: chr16-56506169-T-C. GRCh37 (hg19) VCF-style: chr16-56540081-T-C.
Other names: c.668A>G (NM_031885.3); c.668A>G, p.Asn223Ser (NM_001377456.1); short protein forms N223S.
Identifiers: ClinVar variation 1986531 (VCV001986531.3), dbSNP rs146173201, ClinGen allele CA8065967.
Genomic context (GRCh38, chr16:56,506,169, plus strand): 5'-ATTATACTAACTTTAATTCTCCAGTATCGGGATGTTTTGTCATAAACTCCAACTGTGCCA[T>C]TGGAAAGGGCATAACCAAATCGACTGCCATACATGGGACAAAGAGAGGTGACTATCTGCA-3'
Protein context (NP_114091.4, residues 213-233): YGSRFGYALS[Asn223Ser]GTVGVYDKTS